The following is an entry in ClinVar:

NM_004260.4(RECQL4):c.2070G>A (p.Thr690=)

Gene: RECQL4 (RecQ like helicase 4; minus strand). Cytogenetic location: 8q24.3.
Variant type: single nucleotide variant.
Coding change: c.2070G>A on transcript NM_004260.4 (MANE Select); coding-DNA position 2070, G replaced by A.
Protein change: p.Thr690=; no amino-acid change (threonine 690 retained).
Molecular consequence: synonymous variant.
Genome position (GRCh38, 1-based): chr8:144,513,701, C>T on the plus strand (G>A on the coding strand, the complement: RECQL4 is on the minus strand). VCF-style: chr8-144513701-C-T. GRCh37 (hg19) VCF-style: chr8-145739085-C-T.
Identifiers: ClinVar variation 414229 (VCV000414229.29), dbSNP rs779945948, ClinGen allele CA4948478.

ClinVar aggregate classification (germline): Likely benign. Review status: criteria provided, multiple submitters, no conflicts (2 of 4 stars). 2 submissions from 2 submitters: Likely benign (2). Last evaluated 2026-01-01.

Conditions:
Baller-Gerold syndrome (BGS). Also called: CRANIOSYNOSTOSIS WITH RADIAL DEFECTS. Identifiers: Orphanet 1225, MedGen C0265308, MONDO:0009039, OMIM 218600.

Allele frequency attached by ClinVar (database versions not stated): gnomAD exomes 0.00004 and 0.00006; ExAC 0.00005; TOPMed 0.00005; gnomAD 0.00013 and 0.00014.
gnomAD v4.1: 99 of 1,541,266 alleles (0.0064%); highest among the groups gnomAD compares: Middle Eastern, 0.067%; no homozygotes.

Submissions (2):

CeGaT Center for Human Genetics Tuebingen
Classification: Likely benign. Last evaluated: 2026-01-01. Review status: criteria provided, single submitter. Criteria: CeGaT Center For Human Genetics Tuebingen Variant Classification Criteria Version 2. Collection method: clinical testing. Allele origin: germline. Affected: yes. Observed: 3 variant alleles.
Comment: RECQL4: BP4, BP7

Labcorp Genetics (formerly Invitae), Labcorp
Classification: Likely benign for Baller-Gerold syndrome. Last evaluated: 2025-12-31. Review status: criteria provided, single submitter. Criteria: Invitae Variant Classification Sherloc (09022015). Collection method: clinical testing. Allele origin: germline.